The following is an entry in ClinVar:

ClinVar aggregate classification (germline): Uncertain significance (1 of 4 stars; one submission).

Conditions:
Familial thoracic aortic aneurysm and aortic dissection (TAAD). Also called: Thoracic aortic aneurysms and dissections. Identifiers: Orphanet 91387, MedGen C4707243, MONDO:0019625.

Submission:

Color Diagnostics, LLC DBA Color Health
Classification: Uncertain significance for Familial thoracic aortic aneurysm and aortic dissection. Last evaluated: 2019-06-27. Review status: criteria provided, single submitter. Criteria: ACMG Guidelines, 2015. Collection method: clinical testing. Allele origin: germline.
Comment: This variant duplicates 1 nucleotide in exon 32 of the MYH11 gene, creating a frameshift and premature translation stop signal. This variant is expected to result in an absent or truncated protein product. To our knowledge, functional assays have not been performed for this variant nor has this variant been reported in individuals affected with cardiovascular disorders in the literature. This variant has not been identified in the general population by the Genome Aggregation Database (gnomAD). Clinical significance of loss-of-function truncation variants in the MYH11 gene is not clearly established. Available evidence is insufficient to determine the role of this variant in disease conclusively. Therefore, this variant is classified as a Variant of Uncertain Significance.

NM_002474.3(MYH11):c.4321dup (p.Gln1441fs)

Genes: NDE1 (nudE neurodevelopment protein 1; plus strand), MYH11 (myosin heavy chain 11; minus strand). Cytogenetic location: 16p13.11.
Variant type: Duplication.
Coding change: c.4321dup on transcript NM_002474.3 (MANE Select); coding-DNA position 4321, one base duplicated (C; older notation c.4321dupC).
Protein change: p.Gln1441fs; shifts the reading frame from glutamine 1441.
Molecular consequence: frameshift variant.
Genome position (GRCh38, 1-based): chr16:15,724,205, G duplicated on the plus strand (C on the coding strand, the reverse complement: MYH11 is on the minus strand). VCF-style (leftmost placement, unchanged base first): chr16-15724204-T-TG. GRCh37 (hg19) VCF-style: chr16-15818061-T-TG.
Other names: c.4342dup, p.Gln1448fs (NM_001040113.2, NM_001040114.2); c.4321dup, p.Gln1441fs (NM_022844.3); c.962dup, p.Cys321fs (NM_001143979.2, NM_017668.3); short protein forms Q1441fs, C321fs, Q1448fs.
Identifiers: ClinVar variation 921361 (VCV000921361.3), dbSNP rs2040628585, ClinGen allele CA913203392.